The following is an entry in ClinVar:

ClinVar aggregate classification (germline): Uncertain significance. Review status: criteria provided, multiple submitters, no conflicts (2 of 4 stars). 3 submissions from 3 submitters: Uncertain significance (3). Last evaluated 2022-12-15.

Conditions:
Hereditary nonpolyposis colorectal neoplasms. Identifiers: MedGen C0009405, MeSH D003123.
Hereditary cancer-predisposing syndrome. Also called: Neoplastic Syndromes, Hereditary; Tumor predisposition; Hereditary Cancer Syndrome; Hereditary neoplastic syndrome. Identifiers: Orphanet 140162, MedGen C0027672, MeSH D009386, MONDO:0015356.

Submissions (3):

Labcorp Genetics (formerly Invitae), Labcorp
Classification: Uncertain significance for Hereditary nonpolyposis colorectal neoplasms. Last evaluated: 2022-12-15. Review status: criteria provided, single submitter. Criteria: Invitae Variant Classification Sherloc (09022015). Collection method: clinical testing. Allele origin: germline.
Comment: This sequence change replaces threonine, which is neutral and polar, with isoleucine, which is neutral and non-polar, at codon 849 of the PMS2 protein (p.Thr849Ile). The frequency data for this variant in the population databases (gnomAD) is considered unreliable due to the presence of homologous sequence, such as pseudogenes or paralogs, in the genome. This variant has not been reported in the literature in individuals affected with PMS2-related conditions. ClinVar contains an entry for this variant (Variation ID: 233764). Advanced modeling of protein sequence and biophysical properties (such as structural, functional, and spatial information, amino acid conservation, physicochemical variation, residue mobility, and thermodynamic stability) performed at Invitae indicates that this missense variant is expected to disrupt PMS2 protein function. In summary, the available evidence is currently insufficient to determine the role of this variant in disease. Therefore, it has been classified as a Variant of Uncertain Significance.

Quest Diagnostics Nichols Institute San Juan Capistrano
Classification: Uncertain significance. Last evaluated: 2021-04-12. Review status: criteria provided, single submitter. Criteria: Quest Diagnostics criteria. Collection method: clinical testing. Allele origin: unknown.

Ambry Genetics
Classification: Uncertain significance for Hereditary cancer-predisposing syndrome. Last evaluated: 2019-09-13. Review status: criteria provided, single submitter. Criteria: Ambry Variant Classification Scheme 2023. Collection method: clinical testing. Allele origin: germline.
Comment: The p.T849I variant (also known as c.2546C>T), located in coding exon 15 of the PMS2 gene, results from a C to T substitution at nucleotide position 2546. The threonine at codon 849 is replaced by isoleucine, an amino acid with similar properties. This amino acid position is highly conserved in available vertebrate species. In addition, this alteration is predicted to be deleterious by in silico analysis. Since supporting evidence for this variant is limited at this time, the clinical significance of p.T849I remains unclear.

NM_000535.7(PMS2):c.2546C>T (p.Thr849Ile)

Gene: PMS2 (PMS1 homolog 2, mismatch repair system component; minus strand). Cytogenetic location: 7p22.1.
Variant type: single nucleotide variant.
Coding change: c.2546C>T on transcript NM_000535.7 (MANE Select); coding-DNA position 2546, C replaced by T.
Protein change: p.Thr849Ile; replaces threonine 849 with isoleucine.
Molecular consequence: missense variant. On other transcripts: non-coding transcript variant (1).
Genome position (GRCh38, 1-based): chr7:5,973,442, G>A on the plus strand (C>T on the coding strand, the complement: PMS2 is on the minus strand). VCF-style: chr7-5973442-G-A. GRCh37 (hg19) VCF-style: chr7-6013073-G-A.
Other names: c.2141C>T, p.Thr714Ile (NM_001322003.2, NM_001322004.2, NM_001322005.2); c.2390C>T, p.Thr797Ile (NM_001322006.2); c.2228C>T, p.Thr743Ile (NM_001322007.2, NM_001322008.2); c.2174C>T, p.Thr725Ile (NM_001322009.2); c.1985C>T, p.Thr662Ile (NM_001322010.2); c.1613C>T, p.Thr538Ile (NM_001322011.2, NM_001322012.2); c.1973C>T, p.Thr658Ile (NM_001322013.2); c.2579C>T, p.Thr860Ile (NM_001322014.2); and 1 more; short protein forms T849I, T743I, T662I, T860I, T538I, T714I, T746I, T658I.
Identifiers: ClinVar variation 233764 (VCV000233764.11), dbSNP rs876660627, ClinGen allele CA10578635.